The following is an entry in ClinVar:

ClinVar aggregate classification (germline): Uncertain significance (1 of 4 stars; one submission).

Allele frequency attached by ClinVar (database versions not stated): gnomAD exomes below 0.00001; TOPMed below 0.00001; gnomAD 0.00001.

Submission:

Labcorp Genetics (formerly Invitae), Labcorp
Classification: Uncertain significance. Last evaluated: 2023-12-14. Review status: criteria provided, single submitter. Criteria: Invitae Variant Classification Sherloc (09022015). Collection method: clinical testing. Allele origin: germline.
Comment: This sequence change replaces proline, which is neutral and non-polar, with leucine, which is neutral and non-polar, at codon 340 of the CACNA1D protein (p.Pro340Leu). This variant is not present in population databases (gnomAD no frequency). This variant has not been reported in the literature in individuals affected with CACNA1D-related conditions. Advanced modeling of protein sequence and biophysical properties (such as structural, functional, and spatial information, amino acid conservation, physicochemical variation, residue mobility, and thermodynamic stability) performed at Invitae indicates that this missense variant is expected to disrupt CACNA1D protein function with a positive predictive value of 80%. In summary, the available evidence is currently insufficient to determine the role of this variant in disease. Therefore, it has been classified as a Variant of Uncertain Significance.

NM_001128840.3(CACNA1D):c.1019C>T (p.Pro340Leu)

Gene: CACNA1D (calcium voltage-gated channel subunit alpha1 D; plus strand). Cytogenetic location: 3p21.1.
Variant type: single nucleotide variant.
Coding change: c.1019C>T on transcript NM_001128840.3 (MANE Select); coding-DNA position 1019, C replaced by T.
Protein change: p.Pro340Leu; replaces proline 340 with leucine.
Molecular consequence: missense variant.
Genome position (GRCh38, 1-based): chr3:53,666,438, C>T. VCF-style: chr3-53666438-C-T. GRCh37 (hg19) VCF-style: chr3-53700465-C-T.
Other names: c.1019C>T, p.Pro340Leu (NM_000720.4, NM_001128839.3); short protein forms P340L.
Identifiers: ClinVar variation 2696061 (VCV002696061.3), dbSNP rs770339231, ClinGen allele CA353383507.